The following is an entry in ClinVar:

ClinVar aggregate classification (germline): Uncertain significance (1 of 4 stars; one submission).

Conditions:
Ehlers-Danlos syndrome, type 4 (EDSVASC). Also called: Ehlers-Danlos syndrome vascular type; Ehlers Danlos syndrome, ecchymotic type; Ehlers Danlos syndrome, arterial type; Ehlers Danlos syndrome, Sack-Barabas type; Ehlers-Danlos Syndrome Type IV. Identifiers: Orphanet 286, MedGen C0268338, MONDO:0017314, OMIM 130050.

Submission:

Labcorp Genetics (formerly Invitae), Labcorp
Classification: Uncertain significance for Ehlers-Danlos syndrome, type 4. Last evaluated: 2023-11-08. Review status: criteria provided, single submitter. Criteria: Invitae Variant Classification Sherloc (09022015). Collection method: clinical testing. Allele origin: germline.
Comment: This sequence change falls in intron 17 of the COL3A1 gene. It does not directly change the encoded amino acid sequence of the COL3A1 protein. This variant is not present in population databases (gnomAD no frequency). This variant has not been reported in the literature in individuals affected with COL3A1-related conditions. Algorithms developed to predict the effect of sequence changes on RNA splicing suggest that this variant may disrupt the consensus splice site. In summary, the available evidence is currently insufficient to determine the role of this variant in disease. Therefore, it has been classified as a Variant of Uncertain Significance.

NM_000090.4(COL3A1):c.1195-13G>A

Gene: COL3A1 (collagen type III alpha 1 chain; plus strand). Cytogenetic location: 2q32.2.
Variant type: single nucleotide variant.
Coding change: c.1195-13G>A on transcript NM_000090.4 (MANE Select); 13 bases into the intron before coding-DNA position 1195, G replaced by A.
Molecular consequence: intron variant.
Genome position (GRCh38, 1-based): chr2:188,994,221, G>A. VCF-style: chr2-188994221-G-A. GRCh37 (hg19) VCF-style: chr2-189858947-G-A.
Identifiers: ClinVar variation 2844443 (VCV002844443.3), dbSNP rs2469128357, ClinGen allele CA2739278529.